The following is an entry in ClinVar:

ClinVar aggregate classification (germline): Uncertain significance (1 of 4 stars; one submission).

Submission:

Women's Health and Genetics/Laboratory Corporation of America, LabCorp
Classification: Uncertain significance. Last evaluated: 2024-10-30. Review status: criteria provided, single submitter. Criteria: LabCorp Variant Classification Summary - May 2015. Collection method: clinical testing. Allele origin: germline.
Comment: Variant summary: ACADVL c.746G>T (p.Trp249Leu) results in a non-conservative amino acid change located in the Acyl-CoA oxidase/dehydrogenase, middle domain (IPR006091) of the encoded protein sequence. Five of five in-silico tools predict a damaging effect of the variant on protein function. The variant was absent in 251484 control chromosomes. The available data on variant occurrences in the general population are insufficient to allow any conclusion about variant significance. c.746G>T has been reported in the literature in the compound heterozygous state in at least one individual affected with Very Long Chain Acyl-CoA Dehydrogenase (VLCAD) Deficiency and in individuals with abnormal newborn screens for VLCAD Deficiency but did not have a confirmatory diagnosis (Osawa_2022, Tajima_2024). These data do not allow any conclusion about variant significance. To our knowledge, no experimental evidence demonstrating an impact on protein function has been reported. The following publications have been ascertained in the context of this evaluation (PMID: 35400565, 38390979). No submitters have cited clinical-significance assessments for this variant to ClinVar. Based on the evidence outlined above, the variant was classified as uncertain significance.

Literature cited by the submitters: PubMed 35400565; PubMed 38390979.

NM_000018.4(ACADVL):c.746G>T (p.Trp249Leu)

Gene: ACADVL (acyl-CoA dehydrogenase very long chain; plus strand). Cytogenetic location: 17p13.1.
Variant type: single nucleotide variant.
Coding change: c.746G>T on transcript NM_000018.4 (MANE Select); coding-DNA position 746, G replaced by T.
Protein change: p.Trp249Leu; replaces tryptophan 249 with leucine.
Molecular consequence: missense variant.
Genome position (GRCh38, 1-based): chr17:7,222,075, G>T. VCF-style: chr17-7222075-G-T. GRCh37 (hg19) VCF-style: chr17-7125394-G-T.
Other names: c.680G>T, p.Trp227Leu (NM_001033859.3); c.815G>T, p.Trp272Leu (NM_001270447.2); c.518G>T, p.Trp173Leu (NM_001270448.2); short protein forms W173L, W227L, W249L, W272L.
Identifiers: ClinVar variation 3384688 (VCV003384688.1).